The following is an entry in ClinVar:

NM_001099922.3(ALG13):c.1812C>T (p.Tyr604=)

Gene: ALG13 (ALG13 UDP-N-acetylglucosaminyltransferase subunit; plus strand). Cytogenetic location: Xq23.
Variant type: single nucleotide variant.
Coding change: c.1812C>T on transcript NM_001099922.3 (MANE Select); coding-DNA position 1812, C replaced by T.
Protein change: p.Tyr604=; no amino-acid change (tyrosine 604 retained).
Molecular consequence: synonymous variant. On other transcripts: non-coding transcript variant (1).
Genome position (GRCh38, 1-based): chrX:111,726,891, C>T. VCF-style: chrX-111726891-C-T. GRCh37 (hg19) VCF-style: chrX-110970119-C-T.
Other names: c.1500C>T, p.Tyr500= (NM_001257230.2, NM_001257234.2, NM_001257237.2); c.1578C>T, p.Tyr526= (NM_001257231.2); c.1812C>T, p.Tyr604= (NM_001324292.2); c.1326C>T, p.Tyr442= (NM_001324293.1).
Identifiers: ClinVar variation 515637 (VCV000515637.10), dbSNP rs768241839, ClinGen allele CA10493765.

ClinVar aggregate classification (germline): Likely benign. Review status: criteria provided, multiple submitters, no conflicts (2 of 4 stars). 2 submissions from 2 submitters: Likely benign (2). Last evaluated 2025-09-16.

Conditions:
Developmental and epileptic encephalopathy, 36 (DEE36). Also called: ALG13-CDG; Epileptic encephalopathy, early infantile, 36; Congenital disorder of glycosylation, type Is. Identifiers: Orphanet 324422, MedGen C4317295, MONDO:0010472, OMIM 300884.

Allele frequency attached by ClinVar (database versions not stated): ExAC 0.00001; TOPMed 0.00002; gnomAD 0.00003; gnomAD exomes 0.00003 and 0.00004.
gnomAD v4.1: 32 of 1,209,088 alleles (0.0026%); highest among the groups gnomAD compares: Admixed American, 0.013%; no homozygotes.

Submissions (2):

Labcorp Genetics (formerly Invitae), Labcorp
Classification: Likely benign for Developmental and epileptic encephalopathy, 36. Last evaluated: 2025-09-16. Review status: criteria provided, single submitter. Criteria: Invitae Variant Classification Sherloc (09022015). Collection method: clinical testing. Allele origin: germline.

GeneDx
Classification: Likely benign. Last evaluated: 2018-02-28. Review status: criteria provided, single submitter. Criteria: GeneDx Variant Classification (06012015). Collection method: clinical testing. Allele origin: germline. Affected: yes.
Comment: This variant is considered likely benign or benign based on one or more of the following criteria: it is a conservative change, it occurs at a poorly conserved position in the protein, it is predicted to be benign by multiple in silico algorithms, and/or has population frequency not consistent with disease.